The following is an entry in ClinVar:

ClinVar aggregate classification (germline): Benign. Review status: criteria provided, multiple submitters, no conflicts (2 of 4 stars). 11 submissions from 10 submitters: Benign (9). 2 of the submissions do not count toward it. Last evaluated 2026-02-04.

Conditions:
Thrombophilia due to protein C deficiency, autosomal dominant. Also called: PROC DEFICIENCY, AUTOSOMAL DOMINANT; PROTEIN C DEFICIENCY, AUTOSOMAL DOMINANT. Identifiers: Orphanet 745, MedGen C2674321, MONDO:0008316, OMIM 176860. Disease mechanism: loss of function.
Thrombophilia due to protein C deficiency, autosomal recessive. Also called: PROC DEFICIENCY, AUTOSOMAL RECESSIVE; PROTEIN C DEFICIENCY, AUTOSOMAL RECESSIVE. Identifiers: Orphanet 745, MedGen C2676759, MONDO:0012860, OMIM 612304.

Allele frequency attached by ClinVar (database versions not stated): ExAC 0.63430; 1000 Genomes Project 0.64577; 1000 Genomes Project 30x 0.65490; gnomAD exomes 0.67808 and 0.68069; gnomAD 0.69092 and 0.69846; TOPMed 0.70359; ESP Exome Variant Server 0.72231.
gnomAD v4.1: 1,056,260 of 1,549,898 alleles (68%); highest among the groups gnomAD compares: Admixed American, 80%; 362,068 homozygotes.

Submissions (11):

Labcorp Genetics (formerly Invitae), Labcorp
Classification: Benign for Thrombophilia due to protein C deficiency, autosomal dominant. Last evaluated: 2026-02-04. Review status: criteria provided, single submitter. Criteria: Invitae Variant Classification Sherloc (09022015). Collection method: clinical testing. Allele origin: germline.

Blueprint Genetics
Classification: Benign. Last evaluated: 2024-11-26. Review status: criteria provided, single submitter. Criteria: ACMG Guidelines, 2015. Collection method: clinical testing. Allele origin: germline.

Genome-Nilou Lab
Classification: Benign for Thrombophilia due to protein C deficiency, autosomal dominant. Last evaluated: 2021-10-25. Review status: criteria provided, single submitter. Criteria: ACMG Guidelines, 2015. Collection method: clinical testing. Allele origin: germline. Affected: no.

Genome-Nilou Lab
Classification: Benign for Thrombophilia due to protein C deficiency, autosomal recessive. Last evaluated: 2021-10-25. Review status: criteria provided, single submitter. Criteria: ACMG Guidelines, 2015. Collection method: clinical testing. Allele origin: germline. Affected: no.

GeneDx
Classification: Benign. Last evaluated: 2018-11-12. Review status: criteria provided, single submitter. Criteria: GeneDx Variant Classification Process June 2021. Collection method: clinical testing. Allele origin: germline. Affected: yes.

Illumina Laboratory Services, Illumina
Classification: Benign for Thrombophilia due to protein C deficiency, autosomal dominant. Last evaluated: 2018-01-12. Review status: criteria provided, single submitter. Criteria: ICSL Variant Classification Criteria 13 December 2019. Collection method: clinical testing. Allele origin: germline.
Comment: This variant was observed in the ICSL laboratory as part of a predisposition screen in an ostensibly healthy population. It had not been previously curated by ICSL or reported in the Human Gene Mutation Database (HGMD: prior to June 1st, 2018), and was therefore a candidate for classification through an automated scoring system. Utilizing variant allele frequency, disease prevalence and penetrance estimates, and inheritance mode, an automated score was calculated to assess if this variant is too frequent to cause the disease. Based on the score and internal cut-off values, a variant classified as benign is not then subjected to further curation. The score for this variant resulted in a classification of benign for this disease.

Mayo Clinic Laboratories, Mayo Clinic
Classification: Benign. Last evaluated: 2016-05-26. Review status: criteria provided, single submitter. Criteria: ACMG Guidelines, 2015. Collection method: clinical testing. Allele origin: germline. Observed: 262 variant alleles.

Breakthrough Genomics
Classification: Benign. Review status: criteria provided, single submitter. Criteria: ACMG Guidelines, 2015. Collection method: not provided. Allele origin: germline. Inheritance: Autosomal recessive inheritance. Affected: yes.

PreventionGenetics, part of Exact Sciences
Classification: Benign. Review status: criteria provided, single submitter. Criteria: ACMG Guidelines, 2015. Collection method: clinical testing. Allele origin: germline.

Diagnostic Laboratory, Department of Genetics, University Medical Center Groningen
Classification: Benign. Review status: no assertion criteria provided. Collection method: clinical testing. Allele origin: germline. Affected: yes. Study: VKGL Data-share Consensus. Not counted in ClinVar's aggregate classification.

Joint Genome Diagnostic Labs from Nijmegen and Maastricht, Radboudumc and MUMC+
Classification: Benign. Review status: no assertion criteria provided. Collection method: clinical testing. Allele origin: germline. Affected: yes. Study: VKGL Data-share Consensus. Not counted in ClinVar's aggregate classification.

NM_000312.4(PROC):c.423G>T (p.Ser141=)

Gene: PROC (protein C, inactivator of coagulation factors Va and VIIIa; plus strand). Cytogenetic location: 2q14.3.
Variant type: single nucleotide variant.
Coding change: c.423G>T on transcript NM_000312.4 (MANE Select); coding-DNA position 423, G replaced by T.
Protein change: p.Ser141=; no amino-acid change (serine 141 retained).
Molecular consequence: synonymous variant. On other transcripts: intron variant (1).
Genome position (GRCh38, 1-based): chr2:127,423,296, G>T. VCF-style: chr2-127423296-G-T. GRCh37 (hg19) VCF-style: chr2-128180872-G-T.
Other names: p.Ser141=; c.606G>T, p.Ser202= (NM_001375602.1); c.588G>T, p.Ser196= (NM_001375603.1); c.486G>T, p.Ser162= (NM_001375604.1); c.525G>T, p.Ser175= (NM_001375605.1); c.591G>T, p.Ser197= (NM_001375606.1); c.609G>T, p.Ser203= (NM_001375607.1); c.399G>T, p.Ser133= (NM_001375609.1); and 3 more.
Identifiers: ClinVar variation 255809 (VCV000255809.28), dbSNP rs5936, ClinGen allele CA1859349.